The following is an entry in ClinVar:

NM_000136.3(FANCC):c.683T>C (p.Leu228Ser)

Genes: AOPEP (aminopeptidase O (putative); plus strand), FANCC (FA complementation group C; minus strand). Cytogenetic location: 9q22.32.
Variant type: single nucleotide variant.
Coding change: c.683T>C on transcript NM_000136.3 (MANE Select); coding-DNA position 683, T replaced by C.
Protein change: p.Leu228Ser; replaces leucine 228 with serine.
Molecular consequence: missense variant.
Genome position (GRCh38, 1-based): chr9:95,149,926, A>G on the plus strand (T>C on the coding strand, the complement: FANCC is on the minus strand). VCF-style: chr9-95149926-A-G. GRCh37 (hg19) VCF-style: chr9-97912208-A-G.
Other names: c.683T>C, p.Leu228Ser (NM_001243743.2, NM_001243744.2); short protein forms L228S.
Identifiers: ClinVar variation 1464205 (VCV001464205.8), dbSNP rs2135426128, ClinGen allele CA374109516.

ClinVar aggregate classification (germline): Uncertain significance (1 of 4 stars; one submission).

Conditions:
Fanconi anemia (FA). Also called: Fanconi's anemia. Identifiers: Orphanet 84, MedGen C0015625, MeSH D005199, MONDO:0019391.

Allele frequency attached by ClinVar (database versions not stated): gnomAD exomes below 0.00001.
gnomAD v4.1: 1 of 1,600,116 alleles (0.000062%); highest among the groups gnomAD compares: Non-Finnish European, 0.000085%; no homozygotes.

Submission:

Labcorp Genetics (formerly Invitae), Labcorp
Classification: Uncertain significance for Fanconi anemia. Last evaluated: 2020-11-28. Review status: criteria provided, single submitter. Criteria: Invitae Variant Classification Sherloc (09022015). Collection method: clinical testing. Allele origin: germline.
Comment: Algorithms developed to predict the effect of missense changes on protein structure and function (SIFT, PolyPhen-2, Align-GVGD) all suggest that this variant is likely to be disruptive, but these predictions have not been confirmed by published functional studies and their clinical significance is uncertain. In summary, the available evidence is currently insufficient to determine the role of this variant in disease. Therefore, it has been classified as a Variant of Uncertain Significance. This sequence change replaces leucine with serine at codon 228 of the FANCC protein (p.Leu228Ser). The leucine residue is highly conserved and there is a large physicochemical difference between leucine and serine. This variant is not present in population databases (ExAC no frequency). This variant has not been reported in the literature in individuals with FANCC-related conditions.